The following is an entry in ClinVar:

NM_000384.3(APOB):c.2458G>A (p.Gly820Ser)

Gene: APOB (apolipoprotein B; minus strand). Cytogenetic location: 2p24.1.
Variant type: single nucleotide variant.
Coding change: c.2458G>A on transcript NM_000384.3 (MANE Select); coding-DNA position 2458, G replaced by A.
Protein change: p.Gly820Ser; replaces glycine 820 with serine.
Molecular consequence: missense variant.
Genome position (GRCh38, 1-based): chr2:21,023,671, C>T on the plus strand (G>A on the coding strand, the complement: APOB is on the minus strand). VCF-style: chr2-21023671-C-T. GRCh37 (hg19) VCF-style: chr2-21246543-C-T.
Other names: c.2458G>A (NM_000384.2); short protein forms G820S.
Identifiers: ClinVar variation 2923253 (VCV002923253.4), dbSNP rs759678346, ClinGen allele CA056488.

ClinVar aggregate classification (germline): Conflicting classifications of pathogenicity. Review status: criteria provided, conflicting classifications (1 of 4 stars). 2 submissions from 2 submitters: Uncertain significance (1); Likely benign (1). Last evaluated 2024-12-20.

Conditions:
Cardiovascular phenotype. Identifiers: MedGen CN230736.
Hypercholesterolemia, autosomal dominant, type B (FHCL2). Also called: APOB-Related Familial Hypercholesterolemia, Autosomal Dominant; Familial Hypercholesterolemia Type B; APOLIPOPROTEIN B-100, FAMILIAL DEFECTIVE; APOLIPOPROTEIN B-100, FAMILIAL LIGAND-DEFECTIVE; HYPERCHOLESTEROLEMIA, FAMILIAL, DUE TO LIGAND-DEFECTIVE APOLIPOPROTEIN B; Hyperlipoproteinemia Type IIb. Identifiers: MedGen C1704417, MONDO:0007751, OMIM 144010.
Familial hypobetalipoproteinemia 1. Also called: Hypobetalipoproteinemia, normotriglyceridemic; Acanthocytosis with hypobetalipoproteinemia; APOB-Related Familial Hypobetalipoproteinemia. Identifiers: MedGen C4551990, MONDO:0014252, OMIM 615558.

Allele frequency attached by ClinVar (database versions not stated): gnomAD 0.00001; TOPMed 0.00001.
gnomAD v4.1: 7 of 1,611,904 alleles (0.00043%); highest among the groups gnomAD compares: Admixed American, 0.012%; no homozygotes.

Submissions (2):

Ambry Genetics
Classification: Uncertain significance for Cardiovascular phenotype. Last evaluated: 2024-12-20. Review status: criteria provided, single submitter. Criteria: Ambry Variant Classification Scheme 2023. Collection method: clinical testing. Allele origin: germline.
Comment: The p.G820S variant (also known as c.2458G>A), located in coding exon 17 of the APOB gene, results from a G to A substitution at nucleotide position 2458. The glycine at codon 820 is replaced by serine, an amino acid with similar properties. This amino acid position is conserved. In addition, this alteration is predicted to be tolerated by in silico analysis. Based on the available evidence, the clinical significance of this variant remains unclear.

Labcorp Genetics (formerly Invitae), Labcorp
Classification: Likely benign for Familial hypobetalipoproteinemia 1; Hypercholesterolemia, autosomal dominant, type B. Last evaluated: 2024-08-05. Review status: criteria provided, single submitter. Criteria: Invitae Variant Classification Sherloc (09022015). Collection method: clinical testing. Allele origin: germline.